The following is an entry in ClinVar:

NM_000138.5(FBN1):c.3650G>T (p.Gly1217Val)

Gene: FBN1 (fibrillin 1; minus strand). Cytogenetic location: 15q21.1.
Variant type: single nucleotide variant.
Coding change: c.3650G>T on transcript NM_000138.5 (MANE Select); coding-DNA position 3650, G replaced by T.
Protein change: p.Gly1217Val; replaces glycine 1217 with valine.
Molecular consequence: missense variant.
Genome position (GRCh38, 1-based): chr15:48,485,436, C>A on the plus strand (G>T on the coding strand, the complement: FBN1 is on the minus strand). VCF-style: chr15-48485436-C-A. GRCh37 (hg19) VCF-style: chr15-48777633-C-A.
Other names: c.3650G>T, p.Gly1217Val (NM_001406716.1); short protein forms G1217V.
Identifiers: ClinVar variation 3600236 (VCV003600236.1).

ClinVar aggregate classification (germline): Likely pathogenic (0 of 4 stars; one submission).

Conditions:
Marfan syndrome (MFS). Also called: MARFAN SYNDROME, TYPE I; Marfan syndrome type 1; Marfan's syndrome; FBN1-Related Marfan Syndrome; Marfan syndrome, classic. Identifiers: Orphanet 284963, Orphanet 558, MedGen C0024796, MONDO:0007947, OMIM 154700.

Submission:

Department of Laboratory Medicine and Genetics, Samsung Medical Center
Classification: Likely pathogenic for Marfan syndrome. Last evaluated: 2025-01-02. Review status: no assertion criteria provided. Collection method: clinical testing. Allele origin: germline.
Comment: The NM_000138.5:c.3650G>T is considered to be rare in the general population database (gnomAD v2.1.1). This variant is predicted to be deletrious by in-silico analysis (REVEL). This variant is located in functional domains and a different missense variant at the same residue is determined to be pathogenic (c.3650G>A, p.Gly1217Asp). In summary, this variant was classified as a likely pathogenic variant for Marfan syndrome (PM1, PM5, PP2, PP3, PM2_P).

Literature cited by the submitters: PubMed 37558401.